The following is an entry in ClinVar:

NM_033380.3(COL4A5):c.2576C>T (p.Pro859Leu)

Gene: COL4A5 (collagen type IV alpha 5 chain; plus strand). Cytogenetic location: Xq22.3.
Variant type: single nucleotide variant.
Coding change: c.2576C>T on transcript NM_033380.3 (MANE Select); coding-DNA position 2576, C replaced by T.
Protein change: p.Pro859Leu; replaces proline 859 with leucine.
Molecular consequence: missense variant.
Genome position (GRCh38, 1-based): chrX:108,620,325, C>T. VCF-style: chrX-108620325-C-T. GRCh37 (hg19) VCF-style: chrX-107863555-C-T.
Other names: c.2576C>T, p.Pro859Leu (NM_000495.5); short protein forms P859L.
Identifiers: ClinVar variation 3236229 (VCV003236229.1), dbSNP rs2524395843, ClinGen allele CA413851384.

ClinVar aggregate classification (germline): Uncertain significance (1 of 4 stars; one submission).

Conditions:
X-linked Alport syndrome (ATS1). Also called: COL4A5-Related Nephropathy; NEPHROPATHY AND DEAFNESS, X-LINKED. Identifiers: Orphanet 63, Orphanet 88917, MedGen C4746986, MONDO:0010520, OMIM 301050.

Submission:

MVZ Medizinische Genetik Mainz
Classification: Uncertain significance for X-linked Alport syndrome. Last evaluated: 2024-01-02. Review status: criteria provided, single submitter. Criteria: UK Practice Guidelines For Variant Classification V4 01 2020. Collection method: clinical testing. Allele origin: germline. Inheritance: X-linked dominant inheritance. Affected: yes. Observed: 1 variant allele.
Comment: ACMG Criteria: PM2_SUP,PP4